The following is an entry in ClinVar:

ClinVar aggregate classification (germline): Uncertain significance. Review status: criteria provided, multiple submitters, no conflicts (2 of 4 stars). 5 submissions from 5 submitters: Uncertain significance (5). Last evaluated 2025-10-01.

Conditions:
COL9A2-related disorder. Also called: COL9A2-related condition.
Inborn genetic diseases. Identifiers: MedGen C0950123, MeSH D030342.

Allele frequency attached by ClinVar (database versions not stated): ExAC 0.00003; gnomAD 0.00003 and 0.00004; 1000 Genomes Project 30x 0.00031; 1000 Genomes Project 0.00060.
gnomAD v4.1: 32 of 1,581,156 alleles (0.002%); highest among the groups gnomAD compares: African/African-American, 0.022%; no homozygotes.

Submissions (5):

Labcorp Genetics (formerly Invitae), Labcorp
Classification: Uncertain significance. Last evaluated: 2025-10-01. Review status: criteria provided, single submitter. Criteria: Invitae Variant Classification Sherloc (09022015). Collection method: clinical testing. Allele origin: germline.
Comment: This sequence change replaces alanine, which is neutral and non-polar, with threonine, which is neutral and polar, at codon 4 of the COL9A2 protein (p.Ala4Thr). The frequency data for this variant in the population databases is considered unreliable, as metrics indicate poor data quality at this position in the gnomAD database. This variant has not been reported in the literature in individuals affected with COL9A2-related conditions. ClinVar contains an entry for this variant (Variation ID: 1304986). Invitae Evidence Modeling of protein sequence and biophysical properties (such as structural, functional, and spatial information, amino acid conservation, physicochemical variation, residue mobility, and thermodynamic stability) indicates that this missense variant is not expected to disrupt COL9A2 protein function with a negative predictive value of 95%. In summary, the available evidence is currently insufficient to determine the role of this variant in disease. Therefore, it has been classified as a Variant of Uncertain Significance.

Ambry Genetics
Classification: Uncertain significance for Inborn genetic diseases. Last evaluated: 2025-09-11. Review status: criteria provided, single submitter. Criteria: Ambry Variant Classification Scheme 2023. Collection method: clinical testing. Allele origin: germline.

PreventionGenetics, part of Exact Sciences
Classification: Uncertain significance for COL9A2-related condition. Last evaluated: 2025-07-24. Review status: criteria provided, single submitter. Criteria: ACMG Guidelines, 2015. Collection method: clinical testing. Allele origin: germline.
Comment: The COL9A2 c.10G>A variant is predicted to result in the amino acid substitution p.Ala4Thr. To our knowledge, this variant has not been reported in the literature. This variant is reported in 0.010% of alleles in individuals of African descent in gnomAD. At this time, the clinical significance of this variant is uncertain due to the absence of conclusive functional and genetic evidence.

Blueprint Genetics
Classification: Uncertain significance. Last evaluated: 2024-03-28. Review status: criteria provided, single submitter. Criteria: ACMG Guidelines, 2015. Collection method: clinical testing. Allele origin: germline.

GeneDx
Classification: Uncertain significance. Last evaluated: 2019-04-16. Review status: criteria provided, single submitter. Criteria: GeneDx Variant Classification Process June 2021. Collection method: clinical testing. Allele origin: germline. Affected: yes.
Comment: Has not been previously published as pathogenic or benign to our knowledge; In silico analysis, which includes protein predictors and evolutionary conservation, supports that this variant does not alter protein structure/function; Not observed at a significant frequency in large population cohorts (Lek et al., 2016)

NM_001852.4(COL9A2):c.10G>A (p.Ala4Thr)

Gene: COL9A2 (collagen type IX alpha 2 chain; minus strand). Cytogenetic location: 1p34.2.
Variant type: single nucleotide variant.
Coding change: c.10G>A on transcript NM_001852.4 (MANE Select); coding-DNA position 10, G replaced by A.
Protein change: p.Ala4Thr; replaces alanine 4 with threonine.
Molecular consequence: missense variant.
Genome position (GRCh38, 1-based): chr1:40,317,188, C>T on the plus strand (G>A on the coding strand, the complement: COL9A2 is on the minus strand). VCF-style: chr1-40317188-C-T. GRCh37 (hg19) VCF-style: chr1-40782860-C-T.
Other names: short protein forms A4T.
Identifiers: ClinVar variation 1304986 (VCV001304986.8), dbSNP rs201243011, ClinGen allele CA792139.
Genomic context (GRCh38, chr1:40,317,188, plus strand): 5'-GCGCCAGAGCGAGCACTACCACCTGGAGGAGAACAAGGAGGCTGCGGGGGGAGGCCGTAG[C>T]GGCGGCCATGGCTGGCGGCGAGACCAAGGGGGACGGGTGCGTGTCCGCGCACGCACCGAC-3'
Protein context (NP_001843.1, residues 1-14): MAA[Ala4Thr]TASPRSLLVL